The following is an entry in ClinVar:

NM_198252.3(GSN):c.-9-2022C>T

Gene: GSN (gelsolin; plus strand). Cytogenetic location: 9q33.2.
Variant type: single nucleotide variant.
Coding change: c.-9-2022C>T on transcript NM_198252.3 (MANE Select); 2022 bases into the intron before 9 bases upstream of the start codon, C replaced by T.
Molecular consequence: intron variant. On other transcripts: missense variant (1).
Genome position (GRCh38, 1-based): chr9:121,299,941, C>T. VCF-style: chr9-121299941-C-T. GRCh37 (hg19) VCF-style: chr9-124062219-C-T.
Other names: c.80C>T, p.Ala27Val (NM_000177.5); c.-9-2022C>T (NM_001353054.1, NM_001353053.1, NM_001353060.2 and 5 more transcripts); c.-47-115C>T (NM_001353064.2, NM_001353066.2, NM_001353072.2 and 8 more transcripts); c.-1-2030C>T (NM_001353058.2, NM_001353059.2, NM_001353056.2 and 1 more transcripts); c.-38-124C>T (NM_001353073.2, NM_001353065.2, NM_001353068.2 and 2 more transcripts); c.100-2022C>T (NM_001127663.2); c.-32-130C>T (NM_001353070.2); c.-48-1983C>T (NM_001353055.2); and 3 more; short protein forms A27V.
Identifiers: ClinVar variation 3596383 (VCV003596383.3).

ClinVar aggregate classification (germline): Uncertain significance. Review status: criteria provided, multiple submitters, no conflicts (2 of 4 stars). 2 submissions from 2 submitters: Uncertain significance (2). Last evaluated 2025-08-30.

Conditions:
Finnish type amyloidosis. Also called: AMYLOID CRANIAL NEUROPATHY WITH LATTICE CORNEAL DYSTROPHY; AMYLOIDOSIS DUE TO MUTANT GELSOLIN; Lattice corneal dystrophy associated with familial systemic amyloidosis; Meretoja's syndrome; Lattice dystrophy of the cornea with hereditary generalized amyloidosis; Amyloidosis, familial, Finnish type. Identifiers: Orphanet 85448, MedGen C1622345, MONDO:0007097, OMIM 105120.

gnomAD v4.1: 4 of 1,261,928 alleles (0.00032%); highest among the groups gnomAD compares: African/African-American, 0.0016%; no homozygotes.

Submissions (2):

Labcorp Genetics (formerly Invitae), Labcorp
Classification: Uncertain significance. Last evaluated: 2025-08-30. Review status: criteria provided, single submitter. Criteria: Invitae Variant Classification Sherloc (09022015). Collection method: clinical testing. Allele origin: germline.
Comment: This sequence change replaces alanine, which is neutral and non-polar, with valine, which is neutral and non-polar, at codon 27 of the GSN protein (p.Ala27Val). This variant is not present in population databases (gnomAD no frequency). This variant has not been reported in the literature in individuals affected with GSN-related conditions. ClinVar contains an entry for this variant (Variation ID: 3596383). An algorithm developed to predict the effect of missense changes on protein structure and function (PolyPhen-2) suggests that this variant is likely to be tolerated. In summary, the available evidence is currently insufficient to determine the role of this variant in disease. Therefore, it has been classified as a Variant of Uncertain Significance.

Fulgent Genetics
Classification: Uncertain significance for Finnish type amyloidosis. Last evaluated: 2024-05-14. Review status: criteria provided, single submitter. Criteria: ACMG Guidelines, 2015. Collection method: clinical testing. Allele origin: germline.